The following is an entry in ClinVar:

NM_001100913.3(PACS2):c.681T>G (p.Phe227Leu)

Gene: PACS2 (phosphofurin acidic cluster sorting protein 2; plus strand). Cytogenetic location: 14q32.33.
Variant type: single nucleotide variant.
Coding change: c.681T>G on transcript NM_001100913.3 (MANE Select); coding-DNA position 681, T replaced by G.
Protein change: p.Phe227Leu; replaces phenylalanine 227 with leucine.
Molecular consequence: missense variant.
Genome position (GRCh38, 1-based): chr14:105,368,479, T>G. VCF-style: chr14-105368479-T-G. GRCh37 (hg19) VCF-style: chr14-105834816-T-G.
Other names: c.480T>G, p.Phe160Leu (NM_001243127.3); c.681T>G, p.Phe227Leu (NM_015197.4); short protein forms F160L, F227L.
Identifiers: ClinVar variation 4885810 (VCV004885810.2).
Genomic context (GRCh38, chr14:105,368,479, plus strand): 5'-CAGGCTGCCGTGGCCTCAGCCACTGCATATGTCTCTGCAGGACTTGGACGAGGACGACTT[T>G]GACGTGGGGAAGCCGAAGAAGCAGCGGAGATCGATTGTAAGAACGACGTCCATGACCAGG-3'
Protein context (NP_001094383.2, residues 217-237): VQGQDLDEDD[Phe227Leu]DVGKPKKQRR

ClinVar aggregate classification (germline): Uncertain significance (1 of 4 stars; one submission).

gnomAD v4.1: 1 of 1,613,928 alleles (0.000062%); highest among the groups gnomAD compares: Admixed American, 0.0017%; no homozygotes.

Submission:

Dasa
Classification: Uncertain significance. Last evaluated: 2025-09-15. Review status: criteria provided, single submitter. Criteria: DASA Assertion Criteria. Collection method: clinical testing. Allele origin: germline.
Comment: NM_001100913.3(PACS2):c.681T>G (p.Phe227Leu) is a missense variant that results in the substitution of phenylalanine with leucine. This variant is rare in population databases. Computational prediction algorithms are consistent with a benign effect. The currently available literature and clinical evidence are not sufficient to establish a definitive association between this variant and the reported condition. Therefore, this variant is classified as a variant of uncertain significance.